The following is an entry in ClinVar:

ClinVar aggregate classification (germline): Uncertain significance (1 of 4 stars; one submission).

Conditions:
Fanconi anemia (FA). Also called: Fanconi's anemia. Identifiers: Orphanet 84, MedGen C0015625, MeSH D005199, MONDO:0019391.

Allele frequency attached by ClinVar (database versions not stated): TOPMed below 0.00001; gnomAD exomes 0.00001.
gnomAD v4.1: 3 of 1,614,164 alleles (0.00019%); highest among the groups gnomAD compares: Non-Finnish European, 0.00025%; no homozygotes.

Submission:

Labcorp Genetics (formerly Invitae), Labcorp
Classification: Uncertain significance for Fanconi anemia. Last evaluated: 2021-08-24. Review status: criteria provided, single submitter. Criteria: Invitae Variant Classification Sherloc (09022015). Collection method: clinical testing. Allele origin: germline.
Comment: This sequence change replaces glutamic acid with glycine at codon 217 of the FANCL protein (p.Glu217Gly). The glutamic acid residue is highly conserved and there is a moderate physicochemical difference between glutamic acid and glycine. This variant is not present in population databases (ExAC no frequency). This variant has not been reported in the literature in individuals affected with FANCL-related conditions. Algorithms developed to predict the effect of missense changes on protein structure and function are either unavailable or do not agree on the potential impact of this missense change (SIFT: "Deleterious"; PolyPhen-2: "Possibly Damaging"; Align-GVGD: "Class C0"). In summary, the available evidence is currently insufficient to determine the role of this variant in disease. Therefore, it has been classified as a Variant of Uncertain Significance.

NM_018062.4(FANCL):c.650A>G (p.Glu217Gly)

Gene: FANCL (FA complementation group L; minus strand). Cytogenetic location: 2p16.1.
Variant type: single nucleotide variant.
Coding change: c.650A>G on transcript NM_018062.4 (MANE Select); coding-DNA position 650, A replaced by G.
Protein change: p.Glu217Gly; replaces glutamic acid 217 with glycine.
Molecular consequence: missense variant.
Genome position (GRCh38, 1-based): chr2:58,165,765, T>C on the plus strand (A>G on the coding strand, the complement: FANCL is on the minus strand). VCF-style: chr2-58165765-T-C. GRCh37 (hg19) VCF-style: chr2-58392900-T-C.
Other names: c.665A>G, p.Glu222Gly (NM_001114636.2); c.695A>G, p.Glu232Gly (NM_001374615.1); c.710A>G, p.Glu237Gly (NM_001410792.1); short protein forms E222G, E217G, E232G, E237G.
Identifiers: ClinVar variation 947438 (VCV000947438.7), dbSNP rs1360050423, ClinGen allele CA346936868.